The following is an entry in ClinVar:

ClinVar aggregate classification (germline): Pathogenic (1 of 4 stars; one submission).

Conditions:
Joubert syndrome and related disorders. Identifiers: Orphanet 140874, MedGen C5679612, MONDO:0015369.

Submission:

Myriad Genetics, Inc.
Classification: Pathogenic for Joubert syndrome and related disorders. Last evaluated: 2025-09-01. Review status: criteria provided, single submitter. Criteria: Myriad Autosomal Dominant, Autosomal Recessive and X-Linked Classification Criteria (2023). Collection method: clinical testing. Allele origin: unknown.
Comment: NM_001080522.2(CC2D2A):c.1389dupT(G464Wfs*3) is expected to be pathogenic in the context of CC2D2A-related disorders. This variant is predicted to lead to an abnormal or absent protein product due to the creation of a premature termination codon in CC2D2A, a gene where loss-of-function variants are known to be pathogenic. Please note: this variant was assessed in the context of healthy population screening.

NM_001378615.1(CC2D2A):c.1389dup (p.Gly464fs)

Genes: CC2D2A (coiled-coil and C2 domain containing 2A; plus strand), FBXL5 (F-box and leucine rich repeat protein 5; minus strand). Cytogenetic location: 4p15.32.
Variant type: Duplication.
Coding change: c.1389dup on transcript NM_001378615.1 (MANE Select); coding-DNA position 1389, one base duplicated (T; older notation c.1389dupT).
Protein change: p.Gly464fs; shifts the reading frame from glycine 464.
Molecular consequence: frameshift variant.
Genome position (GRCh38, 1-based): chr4:15,528,649, T duplicated. VCF-style (leftmost placement, unchanged base first): chr4-15528648-C-CT. GRCh37 (hg19) VCF-style: chr4-15530271-C-CT.
Other names: c.1389dup, p.Gly464fs (NM_001080522.2); c.1242dup, p.Gly415fs (NM_001378617.1); short protein forms G415fs, G464fs.
Identifiers: ClinVar variation 5014929 (VCV005014929.1).